The following is an entry in ClinVar:

ClinVar aggregate classification (germline): Benign/Likely benign. Review status: criteria provided, multiple submitters, no conflicts (2 of 4 stars). 6 submissions from 6 submitters: Benign (1); Likely benign (5). Last evaluated 2026-08-01.

Conditions:
Autosomal dominant nonsyndromic hearing loss 1. Also called: DEAFNESS, AUTOSOMAL DOMINANT 1, WITH OR WITHOUT THROMBOCYTOPENIA; KONIGSMARK SYNDROME. Identifiers: Orphanet 90635, MedGen C1852282, MONDO:0007424, OMIM 124900.
Progressive microcephaly-seizures-cortical blindness-developmental delay syndrome. Also called: Seizures, cortical blindness, and microcephaly syndrome. Identifiers: Orphanet 477814, MedGen C5567650, MONDO:0014714, OMIM 616632.
DIAPH1-related disorder. Also called: DIAPH1-related condition.

Allele frequency attached by ClinVar (database versions not stated): gnomAD 0.00005 and 0.00006; gnomAD exomes 0.00006 and 0.00031; TOPMed 0.00015; 1000 Genomes Project 0.00020; ExAC 0.00025; 1000 Genomes Project 30x 0.00031.
gnomAD v4.1: 89 of 1,614,080 alleles (0.0055%); highest among the groups gnomAD compares: Admixed American, 0.14%; no homozygotes.

Submissions (6):

CeGaT Center for Human Genetics Tuebingen
Classification: Likely benign. Last evaluated: 2026-08-01. Review status: criteria provided, single submitter. Criteria: CeGaT Center For Human Genetics Tuebingen Variant Classification Criteria Version 2. Collection method: clinical testing. Allele origin: germline. Affected: yes. Observed: 1 variant allele.
Comment: DIAPH1: BP4, BP7

Labcorp Genetics (formerly Invitae), Labcorp
Classification: Benign for Progressive microcephaly-seizures-cortical blindness-developmental delay syndrome; Autosomal dominant nonsyndromic hearing loss 1. Last evaluated: 2026-02-03. Review status: criteria provided, single submitter. Criteria: Invitae Variant Classification Sherloc (09022015). Collection method: clinical testing. Allele origin: germline.

PreventionGenetics, part of Exact Sciences
Classification: Likely benign for DIAPH1-related condition. Last evaluated: 2024-10-21. Review status: criteria provided, single submitter. Criteria: ACMG Guidelines, 2015. Collection method: clinical testing. Allele origin: germline.
Comment: This variant is classified as likely benign based on ACMG/AMP sequence variant interpretation guidelines (Richards et al. 2015 PMID: 25741868, with internal and published modifications).

Blueprint Genetics
Classification: Likely benign. Last evaluated: 2020-09-25. Review status: criteria provided, single submitter. Criteria: ACMG Guidelines, 2015. Collection method: clinical testing. Allele origin: germline.

GeneDx
Classification: Likely benign. Last evaluated: 2020-03-27. Review status: criteria provided, single submitter. Criteria: GeneDx Variant Classification Process June 2021. Collection method: clinical testing. Allele origin: germline. Affected: yes.

Laboratory for Molecular Medicine, Mass General Brigham Personalized Medicine
Classification: Likely benign. Last evaluated: 2017-08-23. Review status: criteria provided, single submitter. Criteria: LMM Criteria. Collection method: clinical testing. Allele origin: germline. Observed: 1 variant allele.
Comment: p.Lys553Lys in exon 16 of DIAPH1: This variant is not expected to have clinical significance because it does not alter an amino acid residue and is not located within the splice consensus sequence. It has been identified in 0.26% (30/11552) of Latino chromosomes by the Exome Aggregation Consortium (ExAC; dbSNP rs200506473).

NM_005219.5(DIAPH1):c.1659G>A (p.Lys553=)

Gene: DIAPH1 (diaphanous related formin 1; minus strand). Cytogenetic location: 5q31.3.
Variant type: single nucleotide variant.
Coding change: c.1659G>A on transcript NM_005219.5 (MANE Select); coding-DNA position 1659, G replaced by A.
Protein change: p.Lys553=; no amino-acid change (lysine 553 retained).
Molecular consequence: synonymous variant.
Genome position (GRCh38, 1-based): chr5:141,574,191, C>T on the plus strand (G>A on the coding strand, the complement: DIAPH1 is on the minus strand). VCF-style: chr5-141574191-C-T. GRCh37 (hg19) VCF-style: chr5-140953758-C-T.
Other names: c.1632G>A, p.Lys544= (NM_001079812.3); c.1659G>A, p.Lys553= (NM_001314007.2).
Identifiers: ClinVar variation 475697 (VCV000475697.21), dbSNP rs200506473, ClinGen allele CA3479235.